The following is an entry in ClinVar:

ClinVar aggregate classification (germline): Uncertain significance. Review status: criteria provided, multiple submitters, no conflicts (2 of 4 stars). 2 submissions from 2 submitters: Uncertain significance (2). Last evaluated 2024-09-27.

Conditions:
Aortic aneurysm, familial thoracic 9 (AAT9). Identifiers: MedGen C4015368, MONDO:0014514, OMIM 616166.

Submissions (2):

ARUP Laboratories, Molecular Genetics and Genomics, ARUP Laboratories
Classification: Uncertain significance for Aortic aneurysm, familial thoracic 9. Last evaluated: 2024-09-27. Review status: criteria provided, single submitter. Criteria: ARUP Molecular Germline Variant Investigation Process 2024. Collection method: clinical testing. Allele origin: germline.
Comment: The MFAP5 c.152A>T; p.Asp51Val variant, to our knowledge, is not reported in the medical literature but is reported in ClinVar (Variation ID: 2780951). This variant is also absent from the Genome Aggregation Database (v2.1.1), indicating it is not a common polymorphism. Computational analyses are uncertain whether this variant is neutral or deleterious (REVEL: 0.163). Due to limited information, the clinical significance of this variant is uncertain at this time.

Labcorp Genetics (formerly Invitae), Labcorp
Classification: Uncertain significance. Last evaluated: 2024-05-17. Review status: criteria provided, single submitter. Criteria: Invitae Variant Classification Sherloc (09022015). Collection method: clinical testing. Allele origin: germline.
Comment: This sequence change replaces aspartic acid, which is acidic and polar, with valine, which is neutral and non-polar, at codon 51 of the MFAP5 protein (p.Asp51Val). This variant is not present in population databases (gnomAD no frequency). This variant has not been reported in the literature in individuals affected with MFAP5-related conditions. An algorithm developed to predict the effect of missense changes on protein structure and function (PolyPhen-2) suggests that this variant is likely to be disruptive. In summary, the available evidence is currently insufficient to determine the role of this variant in disease. Therefore, it has been classified as a Variant of Uncertain Significance.

NM_003480.4(MFAP5):c.152A>T (p.Asp51Val)

Gene: MFAP5 (microfibril associated protein 5; minus strand). Cytogenetic location: 12p13.31.
Variant type: single nucleotide variant.
Coding change: c.152A>T on transcript NM_003480.4 (MANE Select); coding-DNA position 152, A replaced by T.
Protein change: p.Asp51Val; replaces aspartic acid 51 with valine.
Molecular consequence: missense variant. On other transcripts: non-coding transcript variant (2).
Genome position (GRCh38, 1-based): chr12:8,655,435, T>A on the plus strand (A>T on the coding strand, the complement: MFAP5 is on the minus strand). VCF-style: chr12-8655435-T-A. GRCh37 (hg19) VCF-style: chr12-8808031-T-A.
Other names: c.152A>T, p.Asp51Val (NM_001297709.2, NM_001297711.2, NM_001297712.2); c.116A>T, p.Asp39Val (NM_001297710.2); short protein forms D51V, D39V.
Identifiers: ClinVar variation 2780951 (VCV002780951.4), dbSNP rs2540299480, ClinGen allele CA384039427.